The following is an entry in ClinVar:

NM_000052.7(ATP7A):c.558T>C (p.Thr186=)

Gene: ATP7A (ATPase copper transporting alpha; plus strand). Cytogenetic location: Xq21.1.
Variant type: single nucleotide variant.
Coding change: c.558T>C on transcript NM_000052.7 (MANE Select); coding-DNA position 558, T replaced by C.
Protein change: p.Thr186=; no amino-acid change (threonine 186 retained).
Molecular consequence: synonymous variant.
Genome position (GRCh38, 1-based): chrX:77,988,679, T>C. VCF-style: chrX-77988679-T-C. GRCh37 (hg19) VCF-style: chrX-77244175-T-C.
Other names: c.558T>C, p.Thr186= (NM_001282224.2).
Identifiers: ClinVar variation 4085215 (VCV004085215.8).
Genomic context (GRCh38, chrX:77,988,679, plus strand): 5'-TCAAGCTGGTGAAGTCGTGCTGAAGATGAAAGTGGAAGGGATGACCTGCCATTCATGTAC[T>C]AGCACTATTGAAGGAAAAATTGGGAAACTGCAAGGTGTTCAGCGAATTAAAGGTAATGTG-3'
Protein context (NP_000043.4, residues 176-196): KVEGMTCHSC[Thr186=]STIEGKIGKL

ClinVar aggregate classification (germline): Likely benign (1 of 4 stars; one submission).

Submission:

CeGaT Center for Human Genetics Tuebingen
Classification: Likely benign. Last evaluated: 2025-08-01. Review status: criteria provided, single submitter. Criteria: CeGaT Center For Human Genetics Tuebingen Variant Classification Criteria Version 2. Collection method: clinical testing. Allele origin: germline. Affected: yes. Observed: 1 variant allele.
Comment: ATP7A: PM2:Supporting, BP4, BP7